The following is an entry in ClinVar:

NM_014370.4(SRPK3):c.1262C>A (p.Thr421Lys)

Gene: SRPK3 (SRSF protein kinase 3; plus strand). Cytogenetic location: Xq28.
Variant type: single nucleotide variant.
Coding change: c.1262C>A on transcript NM_014370.4 (MANE Select); coding-DNA position 1262, C replaced by A.
Protein change: p.Thr421Lys; replaces threonine 421 with lysine.
Molecular consequence: missense variant.
Genome position (GRCh38, 1-based): chrX:153,784,763, C>A. VCF-style: chrX-153784763-C-A. GRCh37 (hg19) VCF-style: chrX-153050218-C-A.
Other names: c.1259C>A, p.Thr420Lys (NM_001170760.2); c.1160C>A, p.Thr387Lys (NM_001170761.2); short protein forms T387K, T420K, T421K.
Identifiers: ClinVar variation 4885523 (VCV004885523.2).

ClinVar aggregate classification (germline): Uncertain significance (1 of 4 stars; one submission).

Submission:

Dasa
Classification: Uncertain significance. Last evaluated: 2025-08-25. Review status: criteria provided, single submitter. Criteria: DASA Assertion Criteria. Collection method: clinical testing. Allele origin: germline.
Comment: NM_014370.4(SRPK3):c.1262C>A (p.Thr421Lys) is a missense variant that results in the substitution of threonine with lysine. This variant is absent from population databases. The currently available literature and clinical evidence are not sufficient to establish a definitive association between this variant and the reported condition. Therefore, this variant is classified as a variant of uncertain significance.